The following is an entry in ClinVar:

NM_152384.3(BBS5):c.969A>T (p.Ala323=)

Gene: BBS5 (Bardet-Biedl syndrome 5; plus strand). Cytogenetic location: 2q31.1.
Variant type: single nucleotide variant.
Coding change: c.969A>T on transcript NM_152384.3 (MANE Select); coding-DNA position 969, A replaced by T.
Protein change: p.Ala323=; no amino-acid change (alanine 323 retained).
Molecular consequence: synonymous variant.
Genome position (GRCh38, 1-based): chr2:169,504,525, A>T. VCF-style: chr2-169504525-A-T. GRCh37 (hg19) VCF-style: chr2-170361035-A-T.
Identifiers: ClinVar variation 4994970 (VCV004994970.1).

ClinVar aggregate classification (germline): Likely benign (1 of 4 stars; one submission).

Conditions:
BBS5-related disorder. Also called: BBS5-related condition.

Submission:

PreventionGenetics, part of Exact Sciences
Classification: Likely benign for BBS5-related condition. Last evaluated: 2025-09-23. Review status: criteria provided, single submitter. Criteria: ACMG Guidelines, 2015. Collection method: clinical testing. Allele origin: germline.
Comment: This variant is classified as likely benign based on ACMG/AMP sequence variant interpretation guidelines (Richards et al. 2015 PMID: 25741868, with internal and published modifications).